The following is an entry in ClinVar:

NM_000321.3(RB1):c.-30G>A

Gene: RB1 (RB transcriptional corepressor 1; plus strand). Cytogenetic location: 13q14.2.
Variant type: single nucleotide variant.
Coding change: c.-30G>A on transcript NM_000321.3 (MANE Select); 30 bases upstream of the start codon, G replaced by A.
Molecular consequence: 5 prime UTR variant.
Genome position (GRCh38, 1-based): chr13:48,303,883, G>A. VCF-style: chr13-48303883-G-A. GRCh37 (hg19) VCF-style: chr13-48878019-G-A.
Other names: c.-30G>A (NM_001407165.1, NM_001407166.1, NM_001407167.1).
Identifiers: ClinVar variation 4770269 (VCV004770269.1).

ClinVar aggregate classification (germline): Uncertain significance (1 of 4 stars; one submission).

Conditions:
Retinoblastoma (RB1). Also called: RETINOBLASTOMA, SOMATIC. Identifiers: Orphanet 790, MedGen C0035335, MeSH D012175, MONDO:0008380, OMIM 180200, HP:0009919. Disease mechanism: loss of function. Inheritance: Both sporadic and heritable forms are tested..

gnomAD v4.1: 1 of 1,513,622 alleles (0.000066%); highest among the groups gnomAD compares: African/African-American, 0.0014%; no homozygotes.

Submission:

Labcorp Genetics (formerly Invitae), Labcorp
Classification: Uncertain significance for Retinoblastoma. Last evaluated: 2025-12-02. Review status: criteria provided, single submitter. Criteria: Invitae Variant Classification Sherloc (09022015). Collection method: clinical testing. Allele origin: germline.
Comment: This variant occurs in a non-coding region of the RB1 gene. It does not change the encoded amino acid sequence of the RB1 protein. This variant is not present in population databases (gnomAD no frequency). This variant has not been reported in the literature in individuals affected with RB1-related conditions. In summary, the available evidence is currently insufficient to determine the role of this variant in disease. Therefore, it has been classified as a Variant of Uncertain Significance.